The following is an entry in ClinVar:

NM_007294.4(BRCA1):c.167A>T (p.Lys56Ile)

Gene: BRCA1 (BRCA1 DNA repair associated; minus strand). Cytogenetic location: 17q21.31.
Variant type: single nucleotide variant.
Coding change: c.167A>T on transcript NM_007294.4 (MANE Select); coding-DNA position 167, A replaced by T.
Protein change: p.Lys56Ile; replaces lysine 56 with isoleucine.
Molecular consequence: missense variant. On other transcripts: non-coding transcript variant (1).
Genome position (GRCh38, 1-based): chr17:43,106,501, T>A on the plus strand (A>T on the coding strand, the complement: BRCA1 is on the minus strand). VCF-style: chr17-43106501-T-A. GRCh37 (hg19) VCF-style: chr17-41258518-T-A.
Other names: c.-22A>T (NM_001407571.1, NM_001407853.1, NM_001407879.1 and 58 more transcripts); c.167A>T, p.Lys56Ile (NM_001407581.1, NM_001407582.1, NM_001407583.1 and 168 more transcripts); c.26A>T, p.Lys9Ile (NM_001407692.1, NM_001407694.1, NM_001407695.1 and 99 more transcripts); short protein forms K9I, K56I.
Identifiers: ClinVar variation 867909 (VCV000867909.3), dbSNP rs397508897, ClinGen allele CA10601820.

Conditions:
Breast-ovarian cancer, familial, susceptibility to, 1 (BROVCA1). Also called: BRCA1 Hereditary Breast and Ovarian Cancer; OVARIAN CANCER, SUSCEPTIBILITY TO. Identifiers: Orphanet 145, MedGen C2676676, MONDO:0011450, OMIM 604370. Disease mechanism: loss of function.

Submission:

Brotman Baty Institute, University of Washington
No classification provided (evidence only). Condition: Breast-ovarian cancer, familial 1. Review status: no classification provided. Collection method: in vitro. Allele origin: not applicable. Functional consequence: functionally_normal.
ClinVar note: "not provided" was previously submitted as the classification for the variant. However, the classification appeared to be based only on an observation of functional data so it was converted to no classification on 2025-07-30.